The following is an entry in ClinVar:

NM_000136.3(FANCC):c.1329+181_1329+183del

Genes: AOPEP (aminopeptidase O (putative); plus strand), FANCC (FA complementation group C; minus strand). Cytogenetic location: 9q22.32.
Variant type: Deletion.
Coding change: c.1329+181_1329+183del on transcript NM_000136.3 (MANE Select); bases 181 to 183 of the intron after coding-DNA position 1329, 3 bases deleted (CCT; older notation c.1329+181_1329+183delCCT).
Molecular consequence: intron variant. On other transcripts: inframe deletion (1).
Genome position (GRCh38, 1-based): chr9:95,111,280-95,111,282, AGG deleted on the plus strand (CCT on the coding strand, the reverse complement: FANCC is on the minus strand); deleting any 3 consecutive bases within chr9:95,111,280-95,111,284 gives the same sequence; the c. name uses the placement nearest the transcript's 3' end. VCF-style (leftmost placement, unchanged base first): chr9-95111279-CAGG-C. GRCh37 (hg19) VCF-style: chr9-97873561-CAGG-C.
Other names: c.1393_1395del, p.Pro465del (NM_001243744.2); c.1329+181_1329+183del (NM_001243743.2); c.1329+181_1329+183delCCT (NM_000136.2); c.1393_1395delCCT (NM_001243744.1); short protein forms P465del.
Identifiers: ClinVar variation 134307 (VCV000134307.4), dbSNP rs587778328, ClinGen allele CA159417.
Genomic context (GRCh38, chr9:95,111,279, plus strand): 5'-GTCTTCGTTTTGCAGGAGAATGGGCTGGCAGCGTCTCGTCTCTGGCCACCTCGGTGGGGA[CAGG>C]AGAACGCCTCTGACCACAAGGCTGGAGATCACCATGCCTGCAGGTTGCCATGACATATGC-3'

ClinVar aggregate classification (germline): Conflicting classifications of pathogenicity. Review status: no assertion criteria provided (0 of 4 stars). 3 submissions from 3 submitters: Uncertain significance (1); Likely benign (1). 1 of the submissions does not count toward it. Last evaluated 2024-06-17.

Conditions:
FANCC-related disorder. Also called: FANCC-related condition.
Fanconi anemia complementation group C (FANCC). Also called: Fanconi anemia, group C; FANCONI PANCYTOPENIA, TYPE 3; FACC; FANCC-Related Fanconi Anemia. Identifiers: Orphanet 84, MedGen C3468041, MONDO:0009213, OMIM 227645.

Submissions (3):

PreventionGenetics, part of Exact Sciences
Classification: Uncertain significance for FANCC-related condition. Last evaluated: 2024-06-17. Review status: no assertion criteria provided. Collection method: clinical testing. Allele origin: germline.
Comment: The FANCC c.1393_1395delCCT variant is predicted to result in an in-frame deletion (p.Pro465del). In the canonical transcript (NM_000136.3) this variant is intronic (c.1329+181_1329+183delCCT). To our knowledge, this variant has not been reported in the literature. This variant is reported in 0.045% of alleles in individuals of African descent in gnomAD and has been interpreted as likely benign in ClinVar. At this time, the clinical significance of this variant is uncertain due to the absence of conclusive functional and genetic evidence.

Counsyl
Classification: Likely benign for Fanconi anemia complementation group C. Last evaluated: 2017-02-23. Review status: no assertion criteria provided. Collection method: clinical testing. Allele origin: unknown.

ITMI
No classification provided. Condition: AllHighlyPenetrant. Last evaluated: 2013-09-19. Review status: no classification provided. Collection method: reference population. Allele origin: germline. Not counted in ClinVar's aggregate classification.
Comment: Please see associated publication for description of ethnicities

Literature cited by the submitters: PubMed 24728327 (cited by ITMI).